The following is an entry in ClinVar:

NM_004655.4(AXIN2):c.1677C>T (p.Ser559=)

Gene: AXIN2 (axin 2; minus strand). Cytogenetic location: 17q24.1.
Variant type: single nucleotide variant.
Coding change: c.1677C>T on transcript NM_004655.4 (MANE Select); coding-DNA position 1677, C replaced by T.
Protein change: p.Ser559=; no amino-acid change (serine 559 retained).
Molecular consequence: synonymous variant.
Genome position (GRCh38, 1-based): chr17:65,537,359, G>A on the plus strand (C>T on the coding strand, the complement: AXIN2 is on the minus strand). VCF-style: chr17-65537359-G-A. GRCh37 (hg19) VCF-style: chr17-63533477-G-A.
Other names: c.1677C>T, p.Ser559= (NM_001363813.1).
Identifiers: ClinVar variation 789926 (VCV000789926.10), dbSNP rs773383779, ClinGen allele CA8718579.

ClinVar aggregate classification (germline): Benign/Likely benign. Review status: criteria provided, multiple submitters, no conflicts (2 of 4 stars). 3 submissions from 3 submitters: Benign (1); Likely benign (2). Last evaluated 2026-01-31.

Conditions:
Hereditary cancer-predisposing syndrome. Also called: Tumor predisposition; Hereditary neoplastic syndrome; Hereditary Cancer Syndrome; Neoplastic Syndromes, Hereditary. Identifiers: Orphanet 140162, MedGen C0027672, MeSH D009386, MONDO:0015356.
Oligodontia-cancer predisposition syndrome. Also called: TOOTH AGENESIS-COLORECTAL CANCER SYNDROME. Identifiers: Orphanet 300576, MedGen C1837750, MONDO:0012075, OMIM 608615. Disease mechanism: loss of function.

Allele frequency attached by ClinVar (database versions not stated): gnomAD exomes below 0.00001 and 0.00001; ExAC 0.00001.
gnomAD v4.1: 8 of 1,614,174 alleles (0.0005%); highest among the groups gnomAD compares: South Asian, 0.0033%; no homozygotes.

Submissions (3):

Labcorp Genetics (formerly Invitae), Labcorp
Classification: Likely benign for Oligodontia-cancer predisposition syndrome. Last evaluated: 2026-01-31. Review status: criteria provided, single submitter. Criteria: Invitae Variant Classification Sherloc (09022015). Collection method: clinical testing. Allele origin: germline.

Myriad Genetics, Inc.
Classification: Benign for Oligodontia-cancer predisposition syndrome. Last evaluated: 2024-07-05. Review status: criteria provided, single submitter. Criteria: Myriad Autosomal Dominant, Autosomal Recessive and X-Linked Classification Criteria (2023). Collection method: clinical testing. Allele origin: unknown.
Comment: This variant is considered benign. This variant is a silent/synonymous amino acid change and it is not expected to impact splicing.

Ambry Genetics
Classification: Likely benign for Hereditary cancer-predisposing syndrome. Last evaluated: 2021-01-19. Review status: criteria provided, single submitter. Criteria: Ambry Variant Classification Scheme 2023. Collection method: clinical testing. Allele origin: germline.